The following is an entry in ClinVar:

NM_004655.4(AXIN2):c.1080G>A (p.Lys360=)

Gene: AXIN2 (axin 2; minus strand). Cytogenetic location: 17q24.1.
Variant type: single nucleotide variant.
Coding change: c.1080G>A on transcript NM_004655.4 (MANE Select); coding-DNA position 1080, G replaced by A.
Protein change: p.Lys360=; no amino-acid change (lysine 360 retained).
Molecular consequence: synonymous variant.
Genome position (GRCh38, 1-based): chr17:65,538,323, C>T on the plus strand (G>A on the coding strand, the complement: AXIN2 is on the minus strand). VCF-style: chr17-65538323-C-T. GRCh37 (hg19) VCF-style: chr17-63534441-C-T.
Other names: c.1080G>A, p.Lys360= (NM_001363813.1).
Identifiers: ClinVar variation 2586373 (VCV002586373.3), dbSNP rs2544183115, ClinGen allele CA501476393.

ClinVar aggregate classification (germline): Benign/Likely benign. Review status: criteria provided, multiple submitters, no conflicts (2 of 4 stars). 2 submissions from 2 submitters: Benign (1); Likely benign (1). Last evaluated 2024-07-01.

Conditions:
Hereditary cancer-predisposing syndrome. Also called: Hereditary neoplastic syndrome; Tumor predisposition; Hereditary Cancer Syndrome; Neoplastic Syndromes, Hereditary. Identifiers: Orphanet 140162, MedGen C0027672, MeSH D009386, MONDO:0015356.
Oligodontia-cancer predisposition syndrome. Also called: TOOTH AGENESIS-COLORECTAL CANCER SYNDROME. Identifiers: Orphanet 300576, MedGen C1837750, MONDO:0012075, OMIM 608615. Disease mechanism: loss of function.

Submissions (2):

Myriad Genetics, Inc.
Classification: Benign for Oligodontia-cancer predisposition syndrome. Last evaluated: 2024-07-01. Review status: criteria provided, single submitter. Criteria: Myriad Autosomal Dominant, Autosomal Recessive and X-Linked Classification Criteria (2023). Collection method: clinical testing. Allele origin: unknown.
Comment: This variant is considered benign. This variant is a silent/synonymous amino acid change and it is not expected to impact splicing.

Ambry Genetics
Classification: Likely benign for Hereditary cancer-predisposing syndrome. Last evaluated: 2023-09-06. Review status: criteria provided, single submitter. Criteria: Ambry Variant Classification Scheme 2023. Collection method: clinical testing. Allele origin: germline.